The following is an entry in ClinVar:

NM_004393.6(DAG1):c.1792C>T (p.Arg598Cys)

Gene: DAG1 (dystroglycan 1; plus strand). Cytogenetic location: 3p21.31.
Variant type: single nucleotide variant.
Coding change: c.1792C>T on transcript NM_004393.6 (MANE Select); coding-DNA position 1792, C replaced by T.
Protein change: p.Arg598Cys; replaces arginine 598 with cysteine.
Molecular consequence: missense variant.
Genome position (GRCh38, 1-based): chr3:49,532,303, C>T. VCF-style: chr3-49532303-C-T. GRCh37 (hg19) VCF-style: chr3-49569736-C-T.
Other names: c.1792C>T, p.Arg598Cys (NM_001165928.4, NM_001177634.3, NM_001177635.3 and 9 more transcripts); short protein forms R598C.
Identifiers: ClinVar variation 597468 (VCV000597468.12), dbSNP rs750567574, ClinGen allele CA2399146.
Genomic context (GRCh38, chr3:49,532,303, plus strand): 5'-CATGCCACAGACAAGGGGGGCCTGTCGGCTGTGGATGCCTTCGAGATCCACGTCCACAGG[C>T]GCCCCCAAGGGGATAGGGCTCCTGCAAGGTTCAAGGCCAAGTTTGTGGGTGACCCGGCAC-3'
Protein context (NP_004384.5, residues 588-608): VDAFEIHVHR[Arg598Cys]PQGDRAPARF

ClinVar aggregate classification (germline): Uncertain significance. Review status: criteria provided, multiple submitters, no conflicts (2 of 4 stars). 3 submissions from 3 submitters: Uncertain significance (3). Last evaluated 2021-12-20.

Conditions:
Autosomal recessive limb-girdle muscular dystrophy type 2P. Also called: MUSCULAR DYSTROPHY-DYSTROGLYCANOPATHY, LIMB-GIRDLE, DAG1-RELATED; MUSCULAR DYSTROPHY, LIMB-GIRDLE, TYPE 2P; Limb-Girdle Muscular Dystrophy Type 9C. Identifiers: Orphanet 280333, MedGen C4511963, MONDO:0013440, OMIM 613818.
Muscular dystrophy-dystroglycanopathy (congenital with brain and eye anomalies), type A9. Also called: WALKER-WARBURG SYNDROME OR MUSCLE-EYE BRAIN DISEASE, DAG1-RELATED; Muscular dystrophy-dystroglycanopathy (congenital with brain and eye anomalies), type a, 9. Identifiers: Orphanet 370997, Orphanet 899, MedGen C4225291, MONDO:0014683, OMIM 616538.

Allele frequency attached by ClinVar (database versions not stated): ExAC 0.00001; gnomAD 0.00001; gnomAD exomes 0.00001; TOPMed 0.00004.
gnomAD v4.1: 28 of 1,614,020 alleles (0.0017%); highest among the groups gnomAD compares: African/African-American, 0.004%; no homozygotes.

Submissions (3):

Labcorp Genetics (formerly Invitae), Labcorp
Classification: Uncertain significance for Autosomal recessive limb-girdle muscular dystrophy type 2P; Muscular dystrophy-dystroglycanopathy (congenital with brain and eye anomalies), type A9. Last evaluated: 2021-12-20. Review status: criteria provided, single submitter. Criteria: Invitae Variant Classification Sherloc (09022015). Collection method: clinical testing. Allele origin: germline.
Comment: This sequence change replaces arginine, which is basic and polar, with cysteine, which is neutral and slightly polar, at codon 598 of the DAG1 protein (p.Arg598Cys). This variant is present in population databases (rs750567574, gnomAD 0.002%). This variant has not been reported in the literature in individuals affected with DAG1-related conditions. ClinVar contains an entry for this variant (Variation ID: 597468). Algorithms developed to predict the effect of missense changes on protein structure and function are either unavailable or do not agree on the potential impact of this missense change (SIFT: "Tolerated"; PolyPhen-2: "Possibly Damaging"; Align-GVGD: "Class C0"). Algorithms developed to predict the effect of sequence changes on RNA splicing suggest that this variant may create or strengthen a splice site. In summary, the available evidence is currently insufficient to determine the role of this variant in disease. Therefore, it has been classified as a Variant of Uncertain Significance.

Revvity Omics, Revvity
Classification: Uncertain significance. Last evaluated: 2019-02-14. Review status: criteria provided, single submitter. Criteria: ACMG Guidelines, 2015. Collection method: clinical testing. Allele origin: germline.

Eurofins Ntd Llc (ga)
Classification: Uncertain significance. Last evaluated: 2018-06-11. Review status: criteria provided, single submitter. Criteria: EGL ClinVar v180209 classification definitions. Collection method: clinical testing. Allele origin: germline. Observed: 1 variant allele, 1 heterozygote.